The following is an entry in ClinVar:

NM_003924.4(PHOX2B):c.35C>T (p.Ser12Phe)

Genes: PHOX2B (paired like homeobox 2B; minus strand), PHOX2B-AS1 (PHOX2B antisense RNA 1; plus strand). Cytogenetic location: 4p13.
Variant type: single nucleotide variant.
Coding change: c.35C>T on transcript NM_003924.4 (MANE Select); coding-DNA position 35, C replaced by T.
Protein change: p.Ser12Phe; replaces serine 12 with phenylalanine.
Molecular consequence: missense variant. On other transcripts: non-coding transcript variant (1).
Genome position (GRCh38, 1-based): chr4:41,748,576, G>A on the plus strand (C>T on the coding strand, the complement: PHOX2B is on the minus strand). VCF-style: chr4-41748576-G-A. GRCh37 (hg19) VCF-style: chr4-41750593-G-A.
Other names: short protein forms S12F.
Identifiers: ClinVar variation 5026579 (VCV005026579.1).
Genomic context (GRCh38, chr4:41,748,576, plus strand): 5'-TCAGCATAGGCTGAAGCCAGGCTCGAGGTGTCCATCCCAGCCATACAGGACTCGTAGGCA[G>A]AGGAATTGAGGTAAGAATATTCCATTTTATACATTGAAAAGGTTCTGGATGGCTCAGCCA-3'
Protein context (NP_003915.2, residues 2-22): YKMEYSYLNS[Ser12Phe]AYESCMAGMD

ClinVar aggregate classification (germline): Uncertain significance (1 of 4 stars; one submission).

Conditions:
Hereditary cancer-predisposing syndrome. Also called: Neoplastic Syndromes, Hereditary; Tumor predisposition; Hereditary neoplastic syndrome; Hereditary Cancer Syndrome. Identifiers: Orphanet 140162, MedGen C0027672, MeSH D009386, MONDO:0015356.

Submission:

Ambry Genetics
Classification: Uncertain significance for Hereditary cancer-predisposing syndrome. Last evaluated: 2026-07-07. Review status: criteria provided, single submitter. Criteria: Ambry Variant Classification Scheme 2023. Collection method: clinical testing. Allele origin: germline.
Comment: The p.S12F variant (also known as c.35C>T), located in coding exon 1 of the PHOX2B gene, results from a C to T substitution at nucleotide position 35. The serine at codon 12 is replaced by phenylalanine, an amino acid with highly dissimilar properties. This amino acid position is conserved. In addition, this alteration is predicted to be deleterious by in silico analysis. Based on the available evidence, the clinical significance of this variant remains unclear.